The following is an entry in ClinVar:

NM_007294.4(BRCA1):c.4834C>T (p.Gln1612Ter)

Gene: BRCA1 (BRCA1 DNA repair associated; minus strand). Cytogenetic location: 17q21.31.
Variant type: single nucleotide variant.
Coding change: c.4834C>T on transcript NM_007294.4 (MANE Select); coding-DNA position 4834, C replaced by T.
Protein change: p.Gln1612Ter; replaces glutamine 1612 with a stop codon.
Molecular consequence: nonsense. On other transcripts: non-coding transcript variant (1).
Genome position (GRCh38, 1-based): chr17:43,071,080, G>A on the plus strand (C>T on the coding strand, the complement: BRCA1 is on the minus strand). VCF-style: chr17-43071080-G-A. GRCh37 (hg19) VCF-style: chr17-41223097-G-A.
Other names: c.4831C>T, p.Gln1611Ter (NM_001407626.1, NM_001407610.1, NM_001407611.1 and 17 more transcripts); c.4828C>T, p.Gln1610Ter (NM_001407627.1, NM_001407628.1, NM_001407629.1 and 14 more transcripts); c.4705C>T, p.Gln1569Ter (NM_001407686.1, NM_001407687.1, NM_001407688.1 and 6 more transcripts); c.4702C>T, p.Gln1568Ter (NM_001407690.1, NM_001407691.1); c.4693C>T, p.Gln1565Ter (NM_001407692.1, NM_001407694.1, NM_001407695.1 and 13 more transcripts); c.4834C>T, p.Gln1612Ter (NM_001407602.1, NM_001407603.1, NM_001407605.1 and 8 more transcripts); c.4822C>T, p.Gln1608Ter (NM_001407646.1); c.4819C>T, p.Gln1607Ter (NM_001407647.1); and 70 more; short protein forms Q1612*, Q1565*, Q1633*, Q508*, Q1458*, Q1541*, Q1542*, Q1586*.
Identifiers: ClinVar variation 185295 (VCV000185295.24), dbSNP rs786202064, ClinGen allele CA003041.

ClinVar aggregate classification (germline): Pathogenic. Review status: reviewed by expert panel (3 of 4 stars). 10 submissions from 10 submitters: Pathogenic (1). 9 of the submissions do not count toward it. Last evaluated 2016-09-08.

Conditions:
Breast-ovarian cancer, familial, susceptibility to, 1 (BROVCA1). Also called: BRCA1 Hereditary Breast and Ovarian Cancer; OVARIAN CANCER, SUSCEPTIBILITY TO. Identifiers: Orphanet 145, MedGen C2676676, MONDO:0011450, OMIM 604370. Disease mechanism: loss of function.
Fanconi anemia, complementation group S (FANCS). Identifiers: MedGen C4554406, MONDO:0054748, OMIM 617883.
Pancreatic cancer, susceptibility to, 4. Identifiers: Orphanet 1333, MedGen C3280442, MONDO:0013685, OMIM 614320.
Hereditary cancer-predisposing syndrome. Also called: Hereditary neoplastic syndrome; Tumor predisposition; Neoplastic Syndromes, Hereditary; Hereditary Cancer Syndrome. Identifiers: Orphanet 140162, MedGen C0027672, MeSH D009386, MONDO:0015356.
Hereditary breast ovarian cancer syndrome. Also called: Breast and ovarian cancer; Hereditary breast and/or ovarian cancer syndrome; BRCA1- and BRCA2-Associated Hereditary Breast and Ovarian Cancer; Hereditary breast and ovarian cancer; Hereditary breast and ovarian cancer syndrome; Hereditary breast and ovarian cancer syndrome (HBOC). Identifiers: Orphanet 145, MedGen C0677776, MeSH D061325, MONDO:0003582. Disease mechanism: loss of function.

Submissions (10):

Evidence-based Network for the Interpretation of Germline Mutant Alleles (ENIGMA)
Classification: Pathogenic for Breast-ovarian cancer, familial, susceptibility to, 1. Last evaluated: 2016-09-08. Review status: reviewed by expert panel. Criteria: ENIGMA BRCA1/2 Classification Criteria (2015). Collection method: curation. Allele origin: germline.
Comment: Variant allele predicted to encode a truncated non-functional protein.

Praxis Für Humangenetik, Biosciencia MVZ Labor Saar
Classification: Pathogenic for Breast-ovarian cancer, familial, susceptibility to, 1. Last evaluated: 2025-11-11. Review status: criteria provided, single submitter. Criteria: ACMG Guidelines, 2015. Collection method: clinical testing. Allele origin: germline. Affected: no. Not counted in ClinVar's aggregate classification.
Comment: PVS1, PM2, PP5

Ambry Genetics
Classification: Pathogenic for Hereditary cancer-predisposing syndrome. Last evaluated: 2023-09-28. Review status: criteria provided, single submitter. Criteria: Ambry Variant Classification Scheme 2023. Collection method: clinical testing. Allele origin: germline. Not counted in ClinVar's aggregate classification.
Comment: The p.Q1612* pathogenic mutation (also known as c.4834C>T), located in coding exon 14 of the BRCA1 gene, results from a C to T substitution at nucleotide position 4834. This changes the amino acid from a glutamine to a stop codon within coding exon 14. This alteration is expected to result in loss of function by premature protein truncation or nonsense-mediated mRNA decay. As such, this alteration is interpreted as a disease-causing mutation.

Baylor Genetics
Classification: Pathogenic for Breast-ovarian cancer, familial, susceptibility to, 1. Last evaluated: 2023-09-22. Review status: criteria provided, single submitter. Criteria: ACMG Guidelines, 2015. Collection method: clinical testing. Allele origin: unknown. Not counted in ClinVar's aggregate classification.

Labcorp Genetics (formerly Invitae), Labcorp
Classification: Pathogenic for Hereditary breast ovarian cancer syndrome. Last evaluated: 2023-04-08. Review status: criteria provided, single submitter. Criteria: Invitae Variant Classification Sherloc (09022015). Collection method: clinical testing. Allele origin: germline. Not counted in ClinVar's aggregate classification.
Comment: This variant is not present in population databases (gnomAD no frequency). This sequence change creates a premature translational stop signal (p.Gln1612*) in the BRCA1 gene. It is expected to result in an absent or disrupted protein product. Loss-of-function variants in BRCA1 are known to be pathogenic (PMID: 20104584). This premature translational stop signal has been observed in individual(s) with personal and/or family history of breast and/or ovarian cancer (PMID: 29446198, 29470806, 30555256, 31954625). For these reasons, this variant has been classified as Pathogenic. ClinVar contains an entry for this variant (Variation ID: 185295). This variant is also known as 4897C>T.

Department of Pathology and Laboratory Medicine, Sinai Health System
Classification: Pathogenic for Fanconi anemia, complementation group S. Last evaluated: 2020-06-12. Review status: criteria provided, single submitter. Criteria: ACMG Guidelines, 2015. Collection method: clinical testing. Allele origin: germline. Not counted in ClinVar's aggregate classification.

Color Diagnostics, LLC DBA Color Health
Classification: Pathogenic for Hereditary cancer-predisposing syndrome. Last evaluated: 2020-05-01. Review status: criteria provided, single submitter. Criteria: ACMG Guidelines, 2015. Collection method: clinical testing. Allele origin: germline. Not counted in ClinVar's aggregate classification.
Comment: This variant changes 1 nucleotide in exon 15 of the BRCA1 gene, creating a premature translation stop signal. This variant is expected to result in an absent or non-functional protein product. This variant has been reported in an individual with personal and/or family history of BRCA1-associated cancers (PMID: 31954625). This variant has not been identified in the general population by the Genome Aggregation Database (gnomAD). Loss of BRCA1 function is a known mechanism of disease. Based on the available evidence, this variant is classified as Pathogenic.

Consortium of Investigators of Modifiers of BRCA1/2 (CIMBA), c/o University of Cambridge
Classification: Pathogenic for Breast-ovarian cancer, familial, susceptibility to, 1. Last evaluated: 2015-10-02. Review status: criteria provided, single submitter. Criteria: CIMBA Mutation Classification guidelines May 2016. Collection method: clinical testing. Allele origin: germline. Not counted in ClinVar's aggregate classification.

Juno Genomics, Hangzhou Juno Genomics, Inc
Classification: Pathogenic for Breast-ovarian cancer, familial, susceptibility to, 1; Pancreatic cancer, susceptibility to, 4; Fanconi anemia, complementation group S. Review status: criteria provided, single submitter. Criteria: ACMG Guidelines, 2015. Collection method: clinical testing. Allele origin: germline. Not counted in ClinVar's aggregate classification.
Comment: Absent from controls (or at extremely low frequency if recessive) in Genome Aggregation Database.;Null variant in a gene where loss of function (LOF) is a known mechanism of disease.;The prevalence of the variant in affected individuals is significantly increased compared to the prevalence in controls.

Research Molecular Genetics Laboratory, Women's College Hospital, University of Toronto
Classification: Pathogenic for Hereditary breast ovarian cancer syndrome. Last evaluated: 2014-01-31. Review status: no assertion criteria provided. Collection method: research. Allele origin: germline. Affected: yes. Study: The Canadian Open Genetics Repository (COGR). Not counted in ClinVar's aggregate classification.

Literature cited by the submitters: PubMed 20104584 (cited by Labcorp Genetics (formerly Invitae), Labcorp); PubMed 29446198 (cited by Labcorp Genetics (formerly Invitae), Labcorp); PubMed 29470806 (cited by Labcorp Genetics (formerly Invitae), Labcorp); PubMed 30555256 (cited by Labcorp Genetics (formerly Invitae), Labcorp); PubMed 31954625 (cited by Labcorp Genetics (formerly Invitae), Labcorp).